The following is an entry in ClinVar:

NM_000283.4(PDE6B):c.2085G>A (p.Trp695Ter)

Gene: PDE6B (phosphodiesterase 6B; plus strand). Cytogenetic location: 4p16.3.
Variant type: single nucleotide variant.
Coding change: c.2085G>A on transcript NM_000283.4 (MANE Select); coding-DNA position 2085, G replaced by A.
Protein change: p.Trp695Ter; replaces tryptophan 695 with a stop codon.
Molecular consequence: nonsense.
Genome position (GRCh38, 1-based): chr4:664,177, G>A. VCF-style: chr4-664177-G-A. GRCh37 (hg19) VCF-style: chr4-657966-G-A.
Other names: c.2085G>A, p.Trp695Ter (NM_001145291.2); c.1248G>A, p.Trp416Ter (NM_001145292.2, NM_001350154.3, NM_001379246.1 and 1 more transcripts); c.930G>A, p.Trp310Ter (NM_001350155.3); short protein forms W416*, W695*, W310*.
Identifiers: ClinVar variation 3686904 (VCV003686904.2).

ClinVar aggregate classification (germline): Pathogenic (1 of 4 stars; one submission).

gnomAD v4.1: 5 of 1,612,152 alleles (0.00031%); highest among the groups gnomAD compares: East Asian, 0.0022%; no homozygotes.

Submission:

Labcorp Genetics (formerly Invitae), Labcorp
Classification: Pathogenic. Last evaluated: 2024-04-30. Review status: criteria provided, single submitter. Criteria: Invitae Variant Classification Sherloc (09022015). Collection method: clinical testing. Allele origin: germline.
Comment: This sequence change creates a premature translational stop signal (p.Trp695*) in the PDE6B gene. It is expected to result in an absent or disrupted protein product. Loss-of-function variants in PDE6B are known to be pathogenic (PMID: 8394174, 8595886, 22334370). This variant is present in population databases (no rsID available, gnomAD 0.0009%). This variant has not been reported in the literature in individuals affected with PDE6B-related conditions. For these reasons, this variant has been classified as Pathogenic.

Literature cited by the submitters: PubMed 8394174; PubMed 8595886; PubMed 22334370.